The following is an entry in ClinVar:

ClinVar aggregate classification (germline): Likely pathogenic. Review status: criteria provided, single submitter (1 of 4 stars). 2 submissions from 2 submitters: Likely pathogenic (1). 1 of the submissions does not count toward it. Last evaluated 2026-01-12.

Conditions:
Usher syndrome type 2A. Also called: RETINAL DISEASE IN USHER SYNDROME TYPE IIA, MODIFIER OF; USHER SYNDROME, TYPE IIA. Identifiers: Orphanet 231178, Orphanet 886, MedGen C1848634, MONDO:0010169, OMIM 276901.
Autosomal dominant nonsyndromic hearing loss 36. Identifiers: Orphanet 90635, MedGen C1847626, MONDO:0011708, OMIM 606705.

Submissions (2):

Natera, Inc.
Classification: Likely pathogenic for Usher syndrome type 2A. Last evaluated: 2026-01-12. Review status: criteria provided, single submitter. Criteria: Natera Variant Classification Schema (03/2026). Collection method: clinical testing. Allele origin: germline.
Comment: The c.10724G>T variant in USH2A is a missense variant predicted to cause substitution of cysteine to phenylalanine at amino acid 3575. This variant is rare in the general population with a frequency below the threshold expected for the associated phenotype(s). This variant has been observed in one or more individuals affected with the associated recessive disease, as either homozygous or compound heterozygous with a second variant (PMID: 37981655). A different variant at the same position has been determined to be Pathogenic or Likely Pathogenic. Computational prediction algorithms indicate this variant is likely to affect gene or protein function. Given the available evidence, this variant is classified as Likely Pathogenic.

Laboratory of Otorhinolaryngology, Head and Neck Surgery, Seoul National University Hospital
Classification: Likely pathogenic for Autosomal dominant nonsyndromic hearing loss 36. Last evaluated: 2023-03-23. Review status: no assertion criteria provided. Collection method: clinical testing. Allele origin: germline. Affected: yes. Not counted in ClinVar's aggregate classification.

Literature cited by the submitters: PubMed 37981655 (cited by Natera, Inc.).

NM_206933.4(USH2A):c.10724G>T (p.Cys3575Phe)

Gene: USH2A (usherin; minus strand). Cytogenetic location: 1q41.
Variant type: single nucleotide variant.
Coding change: c.10724G>T on transcript NM_206933.4 (MANE Select); coding-DNA position 10724, G replaced by T.
Protein change: p.Cys3575Phe; replaces cysteine 3575 with phenylalanine.
Molecular consequence: missense variant.
Genome position (GRCh38, 1-based): chr1:215,782,058, C>A on the plus strand (G>T on the coding strand, the complement: USH2A is on the minus strand). VCF-style: chr1-215782058-C-A. GRCh37 (hg19) VCF-style: chr1-215955400-C-A.
Other names: c.10724G>T (NM_206933.2); short protein forms C3575F.
Identifiers: ClinVar variation 2445618 (VCV002445618.5), dbSNP rs111033265, ClinGen allele CA344836159.
Genomic context (GRCh38, chr1:215,782,058, plus strand): 5'-CACACTGAACCCCTTTTCCCAGAGTTTAGGCAAACTCCTCTTACCTTGCTACTGGTGGCA[C>A]AGCCAGCAACCGTGCAAGCTTTCAGCTGATATGAATATTCCTGAAATGGTTGAATTCCCT-3'
Protein context (NP_996816.3, residues 3565-3585): YQLKACTVAG[Cys3575Phe]ATSSKVVAAT